The following is an entry in ClinVar:

ClinVar aggregate classification (germline): Uncertain significance. Review status: criteria provided, single submitter (1 of 4 stars). 2 submissions from 2 submitters: Uncertain significance (1). 1 of the submissions does not count toward it. Last evaluated 2022-08-15.

Conditions:
Alstrom syndrome (ALMS). Identifiers: Orphanet 64, MedGen C0268425, MONDO:0008763, OMIM 203800.

Allele frequency attached by ClinVar (database versions not stated): TOPMed below 0.00001; gnomAD exomes 0.00001; ExAC 0.00002.
gnomAD v4.1: 5 of 1,613,966 alleles (0.00031%); highest among the groups gnomAD compares: South Asian, 0.0011%; no homozygotes.

Submissions (2):

Labcorp Genetics (formerly Invitae), Labcorp
Classification: Uncertain significance for Alstrom syndrome. Last evaluated: 2022-08-15. Review status: criteria provided, single submitter. Criteria: Invitae Variant Classification Sherloc (09022015). Collection method: clinical testing. Allele origin: germline.
Comment: This sequence change replaces threonine, which is neutral and polar, with serine, which is neutral and polar, at codon 2189 of the ALMS1 protein (p.Thr2189Ser). This variant is present in population databases (rs752016657, gnomAD 0.003%). This variant has not been reported in the literature in individuals affected with ALMS1-related conditions. ClinVar contains an entry for this variant (Variation ID: 1024281). Experimental studies and prediction algorithms are not available or were not evaluated, and the functional significance of this variant is currently unknown. In summary, the available evidence is currently insufficient to determine the role of this variant in disease. Therefore, it has been classified as a Variant of Uncertain Significance.

Natera, Inc.
Classification: Uncertain significance for Alstrom syndrome. Last evaluated: 2021-02-11. Review status: no assertion criteria provided. Collection method: clinical testing. Allele origin: germline. Not counted in ClinVar's aggregate classification.

NM_001378454.1(ALMS1):c.6563C>G (p.Thr2188Ser)

Gene: ALMS1 (ALMS1 centrosome and basal body associated protein; plus strand). Cytogenetic location: 2p13.1.
Variant type: single nucleotide variant.
Coding change: c.6563C>G on transcript NM_001378454.1 (MANE Select); coding-DNA position 6563, C replaced by G.
Protein change: p.Thr2188Ser; replaces threonine 2188 with serine.
Molecular consequence: missense variant.
Genome position (GRCh38, 1-based): chr2:73,453,090, C>G. VCF-style: chr2-73453090-C-G. GRCh37 (hg19) VCF-style: chr2-73680217-C-G.
Other names: c.6566C>G, p.Thr2189Ser (NM_015120.4); short protein forms T2188S, T2189S.
Identifiers: ClinVar variation 1024281 (VCV001024281.8), dbSNP rs752016657, ClinGen allele CA1714085.